The following is an entry in ClinVar:

ClinVar aggregate classification (germline): Pathogenic/Likely pathogenic. Review status: criteria provided, multiple submitters, no conflicts (2 of 4 stars). 2 submissions from 2 submitters: Pathogenic (1); Likely pathogenic (1). Last evaluated 2024-01-26.

Allele frequency attached by ClinVar (database versions not stated): gnomAD exomes below 0.00001.
gnomAD v4.1: 1 of 1,614,140 alleles (0.000062%); highest among the groups gnomAD compares: Admixed American, 0.0017%; no homozygotes.

Submissions (2):

Labcorp Genetics (formerly Invitae), Labcorp
Classification: Pathogenic. Last evaluated: 2024-01-26. Review status: criteria provided, single submitter. Criteria: Invitae Variant Classification Sherloc (09022015). Collection method: clinical testing. Allele origin: germline.
Comment: This sequence change creates a premature translational stop signal (p.Gln1453*) in the DUOX2 gene. It is expected to result in an absent or disrupted protein product. Loss-of-function variants in DUOX2 are known to be pathogenic (PMID: 12110737, 18765513, 21565790, 24423310, 24735383). This variant is present in population databases (no rsID available, gnomAD 0.003%). This variant has not been reported in the literature in individuals affected with DUOX2-related conditions. For these reasons, this variant has been classified as Pathogenic.

GeneDx
Classification: Likely pathogenic. Last evaluated: 2023-06-05. Review status: criteria provided, single submitter. Criteria: GeneDx Variant Classification Process June 2021. Collection method: clinical testing. Allele origin: germline. Affected: yes.
Comment: Identified in a study of carrier frequency of DUOX2 variants in the general population (Park et al., 2021), but not reported in individuals with DUOX2-related hypothyroidism in the published literature to our knowledge; Nonsense variant predicted to result in protein truncation or nonsense mediated decay in a gene for which loss of function is a known mechanism of disease; Not observed at significant frequency in large population cohorts (gnomAD); This variant is associated with the following publications: (PMID: 34200080)

Literature cited by the submitters: PubMed 12110737 (cited by Labcorp Genetics (formerly Invitae), Labcorp); PubMed 18765513 (cited by Labcorp Genetics (formerly Invitae), Labcorp); PubMed 21565790 (cited by Labcorp Genetics (formerly Invitae), Labcorp); PubMed 24423310 (cited by Labcorp Genetics (formerly Invitae), Labcorp); PubMed 24735383 (cited by Labcorp Genetics (formerly Invitae), Labcorp).

NM_001363711.2(DUOX2):c.4357C>T (p.Gln1453Ter)

Gene: DUOX2 (dual oxidase 2; minus strand). Cytogenetic location: 15q21.1.
Variant type: single nucleotide variant.
Coding change: c.4357C>T on transcript NM_001363711.2 (MANE Select); coding-DNA position 4357, C replaced by T.
Protein change: p.Gln1453Ter; replaces glutamine 1453 with a stop codon.
Molecular consequence: nonsense.
Genome position (GRCh38, 1-based): chr15:45,094,974, G>A on the plus strand (C>T on the coding strand, the complement: DUOX2 is on the minus strand). VCF-style: chr15-45094974-G-A. GRCh37 (hg19) VCF-style: chr15-45387172-G-A.
Other names: c.4357C>T (NM_014080.4); c.4357C>T, p.Gln1453Ter (NM_014080.5); short protein forms Q1453*.
Identifiers: ClinVar variation 2960614 (VCV002960614.4), dbSNP rs1188250699, ClinGen allele CA392250409.
Genomic context (GRCh38, chr15:45,094,974, plus strand): 5'-TGCCTGGCGGGCCCTGACATACTAGCATGGTGGTCCTGAGGTCGAACTTCTCAGCCAGCT[G>A]GGTGACATAAATGTGCACAGACACCAGGTCCTGGTGGTCGTTCTCCTCCACCTCTTGGAT-3'